The following is an entry in ClinVar:

NM_001184.4(ATR):c.454C>T (p.Leu152Phe)

Gene: ATR (ATR checkpoint kinase; minus strand). Cytogenetic location: 3q23.
Variant type: single nucleotide variant.
Coding change: c.454C>T on transcript NM_001184.4 (MANE Select); coding-DNA position 454, C replaced by T.
Protein change: p.Leu152Phe; replaces leucine 152 with phenylalanine.
Molecular consequence: missense variant.
Genome position (GRCh38, 1-based): chr3:142,562,948, G>A on the plus strand (C>T on the coding strand, the complement: ATR is on the minus strand). VCF-style: chr3-142562948-G-A. GRCh37 (hg19) VCF-style: chr3-142281790-G-A.
Other names: c.454C>T, p.Leu152Phe (NM_001354579.2); short protein forms L152F.
Identifiers: ClinVar variation 1741420 (VCV001741420.2), dbSNP rs2108488534, ClinGen allele CA354826907.
Genomic context (GRCh38, chr3:142,562,948, plus strand): 5'-GCCATTCCACAGCATGACCCATCACATTTCTTCTATGGAGGTAAACCAAGTCTTCAAAAA[G>A]TTGTAATAATTCTTTTGTGAGTACCCCAAAAATAGCAGGACTCTTGCTTTTAAAAAGAAA-3'
Protein context (NP_001175.2, residues 142-162): FGVLTKELLQ[Leu152Phe]FEDLVYLHRR

ClinVar aggregate classification (germline): Uncertain significance (1 of 4 stars; one submission).

Conditions:
Inborn genetic diseases. Identifiers: MedGen C0950123, MeSH D030342.

Allele frequency attached by ClinVar (database versions not stated): gnomAD exomes 0.00001.
gnomAD v4.1: 14 of 1,612,804 alleles (0.00087%); highest among the groups gnomAD compares: Non-Finnish European, 0.0012%; no homozygotes.

Submission:

Ambry Genetics
Classification: Uncertain significance for Inborn genetic diseases. Last evaluated: 2021-12-12. Review status: criteria provided, single submitter. Criteria: Ambry Variant Classification Scheme 2023. Collection method: clinical testing. Allele origin: germline.
Comment: The p.L152F variant (also known as c.454C>T), located in coding exon 4 of the ATR gene, results from a C to T substitution at nucleotide position 454. The leucine at codon 152 is replaced by phenylalanine, an amino acid with highly similar properties. This amino acid position is conserved. In addition, this alteration is predicted to be tolerated by in silico analysis. Since supporting evidence is limited at this time, the clinical significance of this alteration remains unclear.